The following is an entry in ClinVar:

NM_001378418.1(TCF20):c.110T>A (p.Met37Lys)

Gene: TCF20 (transcription factor 20; minus strand). Cytogenetic location: 22q13.2.
Variant type: single nucleotide variant.
Coding change: c.110T>A on transcript NM_001378418.1 (MANE Select); coding-DNA position 110, T replaced by A.
Protein change: p.Met37Lys; replaces methionine 37 with lysine.
Molecular consequence: missense variant.
Genome position (GRCh38, 1-based): chr22:42,215,196, A>T on the plus strand (T>A on the coding strand, the complement: TCF20 is on the minus strand). VCF-style: chr22-42215196-A-T. GRCh37 (hg19) VCF-style: chr22-42611202-A-T.
Other names: c.110T>A, p.Met37Lys (NM_005650.4, NM_181492.3); short protein forms M37K.
Identifiers: ClinVar variation 2634995 (VCV002634995.5), dbSNP rs770818359, ClinGen allele CA10267443.
Genomic context (GRCh38, chr22:42,215,196, plus strand): 5'-CCACCACTGCCACTGCCACTGCTGCCACTACTGCCACCTGTACCTCCAAAATTCTGGAAC[A>T]TCTGGGCCTGACGAGGGCTGAACTCTTCTAGCCGGGATGAGCCGTGTACCTCCTGTGGGT-3'
Protein context (NP_001365347.1, residues 27-47): LEEFSPRQAQ[Met37Lys]FQNFGGTGGS

ClinVar aggregate classification (germline): Uncertain significance. Review status: criteria provided, multiple submitters, no conflicts (2 of 4 stars). 2 submissions from 2 submitters: Uncertain significance (2). Last evaluated 2025-03-21.

Conditions:
TCF20-related disorder. Also called: TCF20-related condition.

Allele frequency attached by ClinVar (database versions not stated): gnomAD 0.00001; gnomAD exomes 0.00001; TOPMed below 0.00001; ExAC 0.00001.
gnomAD v4.1: 5 of 1,614,050 alleles (0.00031%); highest among the groups gnomAD compares: Non-Finnish European, 0.00042%; no homozygotes.

Submissions (2):

PreventionGenetics, part of Exact Sciences
Classification: Uncertain significance for TCF20-related condition. Last evaluated: 2025-03-21. Review status: criteria provided, single submitter. Criteria: ACMG Guidelines, 2015. Collection method: clinical testing. Allele origin: germline.
Comment: The TCF20 c.110T>A variant is predicted to result in the amino acid substitution p.Met37Lys. To our knowledge, this variant has not been reported in the literature. This variant is reported in 0.00088% of alleles in individuals of European (non-Finnish) descent in gnomAD. At this time, the clinical significance of this variant is uncertain due to the absence of conclusive functional and genetic evidence.

Labcorp Genetics (formerly Invitae), Labcorp
Classification: Uncertain significance. Last evaluated: 2023-06-14. Review status: criteria provided, single submitter. Criteria: Invitae Variant Classification Sherloc (09022015). Collection method: clinical testing. Allele origin: germline.
Comment: In summary, the available evidence is currently insufficient to determine the role of this variant in disease. Therefore, it has been classified as a Variant of Uncertain Significance. An algorithm developed to predict the effect of missense changes on protein structure and function (PolyPhen-2) suggests that this variant is likely to be disruptive. This variant has not been reported in the literature in individuals affected with TCF20-related conditions. This variant is not present in population databases (gnomAD no frequency). This sequence change replaces methionine, which is neutral and non-polar, with lysine, which is basic and polar, at codon 37 of the TCF20 protein (p.Met37Lys).